The following is an entry in ClinVar:

ClinVar aggregate classification (germline): Benign/Likely benign. Review status: criteria provided, multiple submitters, no conflicts (2 of 4 stars). 3 submissions from 3 submitters: Benign (1); Likely benign (2). Last evaluated 2025-05-27.

Conditions:
Tuberous sclerosis 2 (TSC2). Identifiers: Orphanet 805, MedGen C1860707, MONDO:0013199, OMIM 613254.
Hereditary cancer-predisposing syndrome. Also called: Neoplastic Syndromes, Hereditary; Hereditary Cancer Syndrome; Hereditary neoplastic syndrome; Tumor predisposition. Identifiers: Orphanet 140162, MedGen C0027672, MeSH D009386, MONDO:0015356.

Allele frequency attached by ClinVar (database versions not stated): gnomAD exomes below 0.00001; TOPMed below 0.00001; ExAC 0.00001; gnomAD 0.00001.
gnomAD v4.1: 2 of 1,613,002 alleles (0.00012%); highest among the groups gnomAD compares: Admixed American, 0.0033%; no homozygotes.

Submissions (3):

Myriad Genetics, Inc.
Classification: Benign for Tuberous sclerosis 2. Last evaluated: 2025-05-27. Review status: criteria provided, single submitter. Criteria: Myriad Autosomal Dominant, Autosomal Recessive and X-Linked Classification Criteria (2023). Collection method: clinical testing. Allele origin: unknown.
Comment: This variant is considered benign. This variant is a silent/synonymous amino acid change and it is not expected to impact splicing.

Labcorp Genetics (formerly Invitae), Labcorp
Classification: Likely benign for Tuberous sclerosis 2. Last evaluated: 2025-03-08. Review status: criteria provided, single submitter. Criteria: Invitae Variant Classification Sherloc (09022015). Collection method: clinical testing. Allele origin: germline.

Ambry Genetics
Classification: Likely benign for Hereditary cancer-predisposing syndrome. Last evaluated: 2024-07-30. Review status: criteria provided, single submitter. Criteria: Ambry Variant Classification Scheme 2023. Collection method: clinical testing. Allele origin: germline.

NM_000548.5(TSC2):c.2910T>C (p.Ser970=)

Gene: TSC2 (TSC complex subunit 2; plus strand). Cytogenetic location: 16p13.3.
Variant type: single nucleotide variant.
Coding change: c.2910T>C on transcript NM_000548.5 (MANE Select); coding-DNA position 2910, T replaced by C.
Protein change: p.Ser970=; no amino-acid change (serine 970 retained).
Molecular consequence: synonymous variant. On other transcripts: intron variant (9).
Genome position (GRCh38, 1-based): chr16:2,077,670, T>C. VCF-style: chr16-2077670-T-C. GRCh37 (hg19) VCF-style: chr16-2127671-T-C.
Other names: c.2910T>C (NM_000548.3); c.2910T>C, p.Ser970= (NM_001114382.3); c.2837+1085T>C (NM_021055.3, NM_001370405.1, NM_001363528.2 and 2 more transcripts); c.2726+1085T>C (NM_001318827.2); c.2237+1085T>C (NM_001318831.2); c.2690+1085T>C (NM_001318829.2); c.2870+1085T>C (NM_001318832.2).
Identifiers: ClinVar variation 1115659 (VCV001115659.11), dbSNP rs777705428, ClinGen allele CA042677.
Genomic context (GRCh38, chr16:2,077,670, plus strand): 5'-CAGACCCCCCAAACAAGGCTTGAATAACTCTCCACCCGTGAAAGAATTCAAGGAGAGCTC[T>C]GCAGCCGAGGCCTTCCGGTGCCGCAGCATCAGTGTGTCTGAACATGTGGTCCGCAGGTAG-3'
Protein context (NP_000539.2, residues 960-980): SPPVKEFKES[Ser970=]AAEAFRCRSI